The following is an entry in ClinVar:

ClinVar aggregate classification (germline): Benign. Review status: criteria provided, multiple submitters, no conflicts (2 of 4 stars). 2 submissions from 2 submitters: Benign (2). Last evaluated 2018-06-16.

Allele frequency attached by ClinVar (database versions not stated): 1000 Genomes Project 30x 0.29513; 1000 Genomes Project 0.30172; TOPMed 0.35227; gnomAD 0.37862 and 0.38147.
gnomAD v4.1: 565,194 of 1,207,550 alleles (47%); highest among the groups gnomAD compares: Non-Finnish European, 50%; 140,867 homozygotes.

Submissions (2):

GeneDx
Classification: Benign. Last evaluated: 2018-06-16. Review status: criteria provided, single submitter. Criteria: GeneDx Variant Classification (06012015). Collection method: clinical testing. Allele origin: germline. Affected: yes.
Comment: This variant is considered likely benign or benign based on one or more of the following criteria: it is a conservative change, it occurs at a poorly conserved position in the protein, it is predicted to be benign by multiple in silico algorithms, and/or has population frequency not consistent with disease.

Breakthrough Genomics
Classification: Benign. Review status: criteria provided, single submitter. Criteria: ACMG Guidelines, 2015. Collection method: not provided. Allele origin: germline. Inheritance: Autosomal recessive inheritance. Affected: yes.

NM_001048166.1(STIL):c.1024-73C>T

Gene: STIL (STIL centriolar assembly protein; minus strand). Cytogenetic location: 1p33.
Variant type: single nucleotide variant.
Coding change: c.1024-73C>T on transcript NM_001048166.1 (MANE Select); 73 bases into the intron before coding-DNA position 1024, C replaced by T.
Molecular consequence: intron variant.
Genome position (GRCh38, 1-based): chr1:47,287,733, G>A on the plus strand (C>T on the coding strand, the complement: STIL is on the minus strand). VCF-style: chr1-47287733-G-A. GRCh37 (hg19) VCF-style: chr1-47753405-G-A.
Other names: c.1024-73C>T (NM_003035.2, NM_001282937.1, NM_001282936.1); c.883-73C>T (NM_001282939.1, NM_001282938.1).
Identifiers: ClinVar variation 673949 (VCV000673949.2), dbSNP rs12125261, ClinGen allele CA15078302.